The following is an entry in ClinVar:

NM_001613.4(ACTA2):c.903A>G (p.Leu301=)

Genes: ACTA2-AS1 (ACTA2 antisense RNA 1; plus strand), ACTA2 (actin alpha 2, smooth muscle; minus strand). Cytogenetic location: 10q23.31.
Variant type: single nucleotide variant.
Coding change: c.903A>G on transcript NM_001613.4 (MANE Select); coding-DNA position 903, A replaced by G.
Protein change: p.Leu301=; no amino-acid change (leucine 301 retained).
Molecular consequence: synonymous variant.
Genome position (GRCh38, 1-based): chr10:88,938,148, T>C on the plus strand (A>G on the coding strand, the complement: ACTA2 is on the minus strand). VCF-style: chr10-88938148-T-C. GRCh37 (hg19) VCF-style: chr10-90697905-T-C.
Other names: c.903A>G, p.Leu301= (NM_001141945.3, NM_001320855.2, NM_001406462.1 and 2 more transcripts); c.792A>G, p.Leu264= (NM_001406466.1); c.774A>G, p.Leu258= (NM_001406467.1, NM_001406468.1, NM_001406469.1); c.711A>G, p.Leu237= (NM_001406471.1).
Identifiers: ClinVar variation 412814 (VCV000412814.18), dbSNP rs372824072, ClinGen allele CA029895.

ClinVar aggregate classification (germline): Likely benign. Review status: criteria provided, multiple submitters, no conflicts (2 of 4 stars). 4 submissions from 4 submitters: Likely benign (4). Last evaluated 2025-12-24.

Conditions:
Familial thoracic aortic aneurysm and aortic dissection (TAAD). Also called: Thoracic aortic aneurysms and dissections. Identifiers: Orphanet 91387, MedGen C4707243, MONDO:0019625.
Aortic aneurysm, familial thoracic 6 (AAT6). Also called: FAMILIAL THORACIC AORTIC ANEURYSM WITH LIVEDO RETICULARIS AND IRIS FLOCCULI. Identifiers: MedGen C2673186, MONDO:0012730, OMIM 611788.

Allele frequency attached by ClinVar (database versions not stated): gnomAD exomes below 0.00001 and 0.00001; ExAC 0.00001; gnomAD 0.00005 and 0.00006; ESP Exome Variant Server 0.00008; TOPMed 0.00014; 1000 Genomes Project 0.00020; 1000 Genomes Project 30x 0.00031.
gnomAD v4.1: 18 of 1,614,060 alleles (0.0011%); highest among the groups gnomAD compares: African/African-American, 0.011%; no homozygotes.

Submissions (4):

Labcorp Genetics (formerly Invitae), Labcorp
Classification: Likely benign for Aortic aneurysm, familial thoracic 6. Last evaluated: 2025-12-24. Review status: criteria provided, single submitter. Criteria: Invitae Variant Classification Sherloc (09022015). Collection method: clinical testing. Allele origin: germline.

All of Us Research Program, National Institutes of Health
Classification: Likely benign for Familial thoracic aortic aneurysm and aortic dissection. Last evaluated: 2023-12-13. Review status: criteria provided, single submitter. Criteria: ACMG Guidelines, 2015. Collection method: clinical testing. Allele origin: germline. Inheritance: Autosomal dominant inheritance. Observed: 7 variant alleles, 7 heterozygotes.
Comment: This study involves interpretation of variants in research participants for the purpose of population health screening. Participant phenotype was not available at the time of variant classification. Additional details can be found in publication PMID: 35346344, PMCID: PMC8962531

Ambry Genetics
Classification: Likely benign for Familial thoracic aortic aneurysm and aortic dissection. Last evaluated: 2021-12-20. Review status: criteria provided, single submitter. Criteria: Ambry Variant Classification Scheme 2023. Collection method: clinical testing. Allele origin: germline.

Color Diagnostics, LLC DBA Color Health
Classification: Likely benign for Familial thoracic aortic aneurysm and aortic dissection. Last evaluated: 2020-02-18. Review status: criteria provided, single submitter. Criteria: ACMG Guidelines, 2015. Collection method: clinical testing. Allele origin: germline.